The following is an entry in ClinVar:

ClinVar aggregate classification (germline): Uncertain significance (0 of 4 stars; one submission).

Conditions:
UBE4A-related disorder. Also called: UBE4A-related condition.

Submission:

PreventionGenetics, part of Exact Sciences
Classification: Uncertain significance for UBE4A-related condition. Last evaluated: 2023-12-15. Review status: no assertion criteria provided. Collection method: clinical testing. Allele origin: germline.
Comment: The UBE4A c.626A>G variant is predicted to result in the amino acid substitution p.Asn209Ser. To our knowledge, this variant has not been reported in the literature or in a large population database, indicating this variant is rare. At this time, the clinical significance of this variant is uncertain due to the absence of conclusive functional and genetic evidence.

NM_001204077.2(UBE4A):c.626A>G (p.Asn209Ser)

Gene: UBE4A (ubiquitination factor E4A; plus strand). Cytogenetic location: 11q23.3.
Variant type: single nucleotide variant.
Coding change: c.626A>G on transcript NM_001204077.2 (MANE Select); coding-DNA position 626, A replaced by G.
Protein change: p.Asn209Ser; replaces asparagine 209 with serine.
Molecular consequence: missense variant.
Genome position (GRCh38, 1-based): chr11:118,372,571, A>G. VCF-style: chr11-118372571-A-G. GRCh37 (hg19) VCF-style: chr11-118243286-A-G.
Other names: c.626A>G, p.Asn209Ser (NM_004788.4); short protein forms N209S.
Identifiers: ClinVar variation 3031923 (VCV003031923.2), dbSNP rs2496953066, ClinGen allele CA382786362.